The following is an entry in ClinVar:

NM_001009944.3(PKD1):c.4369_4370del (p.Ala1458fs)

Gene: PKD1 (polycystin 1, transient receptor potential channel interacting; minus strand). Cytogenetic location: 16p13.3.
Variant type: Deletion.
Coding change: c.4369_4370del on transcript NM_001009944.3 (MANE Select); coding-DNA positions 4369 to 4370, 2 bases deleted (TC; older notation c.4369_4370delTC).
Protein change: p.Ala1458fs; shifts the reading frame from alanine 1458.
Molecular consequence: frameshift variant.
Genome position (GRCh38, 1-based): chr16:2,110,797-2,110,798, GA deleted on the plus strand (TC on the coding strand, the reverse complement: PKD1 is on the minus strand); deleting any 2 consecutive bases within chr16:2,110,797-2,110,799 gives the same sequence; the c. name uses the placement nearest the transcript's 3' end. VCF-style (leftmost placement, unchanged base first): chr16-2110796-TGA-T. GRCh37 (hg19) VCF-style: chr16-2160797-TGA-T.
Other names: c.4369_4370del, p.Ala1458fs (NM_000296.4); c.4369_4370delTC (NM_001009944.2); c.4369_4370del (NM_001009944.2); short protein forms A1458fs.
Identifiers: ClinVar variation 3254608 (VCV003254608.5), dbSNP rs2092481936.

ClinVar aggregate classification (germline): Pathogenic. Review status: criteria provided, multiple submitters, no conflicts (2 of 4 stars). 5 submissions from 5 submitters: Pathogenic (5). Last evaluated 2026-03-06.

Conditions:
Polycystic kidney disease, adult type (PKD1). Also called: POLYCYSTIC KIDNEY DISEASE, ADULT, TYPE I; Polycystic Kidney Disease 1, Autosomal Dominant; Polycystic kidney disease 1; Polycystic kidney disease 1, severe; POLYCYSTIC KIDNEY DISEASE 1 WITH OR WITHOUT POLYCYSTIC LIVER DISEASE; Polycystic Kidney, Autosomal Dominant. Identifiers: MedGen C3149841, MONDO:0008263, OMIM 173900.
Renal cyst. Also called: Renal cysts; Cystic kidney disease; cystic kidneys. Identifiers: MedGen C3887499, MONDO:0002473, HP:0000107.
PKD1-related disorder. Also called: PKD1-related condition.

Submissions (5):

GeneDx
Classification: Pathogenic. Last evaluated: 2026-03-06. Review status: criteria provided, single submitter. Criteria: GeneDx Variant Classification Process June 2021. Collection method: clinical testing. Allele origin: germline.
Comment: Frameshift variant predicted to result in protein truncation or nonsense mediated decay in a gene for which loss of function is a known mechanism of disease; Not observed at significant frequency in large population cohorts (gnomAD); This variant is associated with the following publications: (PMID: 22383692, 35778421, 23300259, 29034881, 26632257)

Fulgent Genetics
Classification: Pathogenic for Polycystic kidney disease, adult type. Last evaluated: 2024-01-06. Review status: criteria provided, single submitter. Criteria: ACMG Guidelines, 2015. Collection method: clinical testing. Allele origin: germline.

Victorian Clinical Genetics Services, Murdoch Childrens Research Institute
Classification: Pathogenic for Polycystic kidney disease, adult type. Last evaluated: 2023-07-17. Review status: criteria provided, single submitter. Criteria: ACMG Guidelines, 2015. Collection method: clinical testing. Allele origin: germline. Inheritance: Autosomal dominant inheritance. Affected: yes.
Comment: Based on the classification scheme VCGS_Germline_v1.3.4, this variant is classified as Pathogenic. Following criteria are met: 0102 - Loss of function is a known mechanism of disease in this gene and is associated with polycystic kidney disease 1 (MIM#173900). (I) 0107 - This gene is associated with autosomal dominant disease. Polycystic kidney disease 1 (MIM#173900) is predominantly caused by monoallelic variants, with rare reports of biallelic variants causing disease (OMIM). (I) 0201 - Variant is predicted to cause nonsense-mediated decay (NMD) and loss of protein (premature termination codon is located at least 54 nucleotides upstream of the final exon-exon junction). (SP) 0251 - This variant is heterozygous. (I) 0301 - Variant is absent from gnomAD (both v2 and v3). (SP) 0701 - Other NMD predicted variants comparable to the one identified in this case have very strong previous evidence for pathogenicity (DECIPHER). (SP) 0801 - This variant has strong previous evidence of pathogenicity in unrelated individuals. This variant has been observed in at least five unrelated individuals with ADPKD (PMIDs: 22383692, 26632257, 23300259, 35778421). (SP) 1208 - Inheritance information for this variant is not currently available in this individual. (I) Legend: (SP) - Supporting pathogenic, (I) - Information, (SB) - Supporting benign

Blueprint Genetics
Classification: Pathogenic for PKD1-related disorders. Last evaluated: 2023-02-15. Review status: criteria provided, single submitter. Criteria: ACMG Guidelines, 2015. Collection method: clinical testing. Allele origin: germline. Affected: yes. Observed: 1 variant allele.

Cambridge Genomics Laboratory, East Genomic Laboratory Hub, NHS Genomic Medicine Service
Classification: Pathogenic for Renal cyst. Last evaluated: 2019-04-17. Review status: criteria provided, single submitter. Criteria: ACGS Best Practice Guidelines for Variant Classification in Rare Disease 2020. Collection method: clinical testing. Allele origin: germline. Affected: yes. Observed: 1 variant allele.

Literature cited by the submitters: PubMed 22383692 (cited by Victorian Clinical Genetics Services, Murdoch Childrens Research Institute); PubMed 23300259 (cited by Victorian Clinical Genetics Services, Murdoch Childrens Research Institute); PubMed 26632257 (cited by Victorian Clinical Genetics Services, Murdoch Childrens Research Institute); PubMed 35778421 (cited by Victorian Clinical Genetics Services, Murdoch Childrens Research Institute).